The following is an entry in ClinVar:

NM_001035.3(RYR2):c.14368C>T (p.Arg4790Ter)

Gene: RYR2 (ryanodine receptor 2; plus strand). Cytogenetic location: 1q43.
Variant type: single nucleotide variant.
Coding change: c.14368C>T on transcript NM_001035.3 (MANE Select); coding-DNA position 14368, C replaced by T.
Protein change: p.Arg4790Ter; replaces arginine 4790 with a stop codon.
Molecular consequence: nonsense.
Genome position (GRCh38, 1-based): chr1:237,808,970, C>T. VCF-style: chr1-237808970-C-T. GRCh37 (hg19) VCF-style: chr1-237972270-C-T.
Other names: short protein forms R4790*.
Identifiers: ClinVar variation 1044450 (VCV001044450.9), dbSNP rs1660964820, ClinGen allele CA345424300.
Genomic context (GRCh38, chr1:237,808,970, plus strand): 5'-ACCGTTGGCTTATTAGCTGTTGTTGTATACCTATACACTGTGGTGGCATTCAATTTTTTC[C>T]GAAAATTCTACAATAAAAGTGAAGATGGTGATACACCAGATATGAAATGTGACGATATGC-3'

ClinVar aggregate classification (germline): Conflicting classifications of pathogenicity. Review status: criteria provided, conflicting classifications (1 of 4 stars). 2 submissions from 2 submitters: Likely pathogenic (1); Uncertain significance (1). Last evaluated 2023-08-28.

Conditions:
Catecholaminergic polymorphic ventricular tachycardia 1. Also called: VENTRICULAR TACHYCARDIA, CATECHOLAMINERGIC POLYMORPHIC, 1, WITH OR WITHOUT ATRIAL DYSFUNCTION AND/OR DILATED CARDIOMYOPATHY; VENTRICULAR TACHYCARDIA, STRESS-INDUCED POLYMORPHIC 1; RYR2-Related Catecholaminergic Polymorphic Ventricular Tachycardia. Identifiers: Orphanet 3286, MedGen C1631597, MONDO:0011484, OMIM 604772.
Catecholaminergic polymorphic ventricular tachycardia (CVPT). Also called: Catecholamine-induced polymorphic ventricular tachycardia. Identifiers: Orphanet 3286, MedGen C5574922, MONDO:0017990.

gnomAD v4.1: 4 of 1,612,772 alleles (0.00025%); highest among the groups gnomAD compares: Non-Finnish European, 0.00034%; no homozygotes.

Submissions (2):

Labcorp Genetics (formerly Invitae), Labcorp
Classification: Likely pathogenic for Catecholaminergic polymorphic ventricular tachycardia 1. Last evaluated: 2023-08-28. Review status: criteria provided, single submitter. Criteria: Invitae Variant Classification Sherloc (09022015). Collection method: clinical testing. Allele origin: germline.
Comment: In summary, the currently available evidence indicates that the variant is pathogenic, but additional data are needed to prove that conclusively. Therefore, this variant has been classified as Likely Pathogenic. Experimental studies have shown that this premature translational stop signal affects RYR2 function (PMID: 35439358, 37492947). Algorithms developed to predict the effect of variants on protein structure and function are not available or were not evaluated for this variant. ClinVar contains an entry for this variant (Variation ID: 1044450). This premature translational stop signal has been observed in individual(s) with autosomal dominant RYR2-related conditions (PMID: 35439358). It has also been observed to segregate with disease in related individuals. This variant is not present in population databases (gnomAD no frequency). This sequence change creates a premature translational stop signal (p.Arg4790*) in the RYR2 gene. It is expected to result in an absent or disrupted protein product. However, the current clinical and genetic evidence is not sufficient to establish whether loss-of-function variants in RYR2 cause disease.

All of Us Research Program, National Institutes of Health
Classification: Uncertain significance for Catecholaminergic polymorphic ventricular tachycardia. Last evaluated: 2023-04-03. Review status: criteria provided, single submitter. Criteria: ACMG Guidelines, 2015. Collection method: clinical testing. Allele origin: germline. Inheritance: Autosomal dominant inheritance. Observed: 1 variant allele, 1 heterozygote.
Comment: This variant changes 1 nucleotide in exon 100 of the RYR2 gene, creating a premature translation stop signal. This variant is expected to result in an absent or non-functional protein product. This variant has been reported in an individual affected with cardiac arrest and syncopal episodes associated with emotional stress, as well as in another seven family members including two who were symptomatic (PMID: 35439358). Cardiomyocytes differentiated from induced human pluripotent stem cells generated from the proband showed a significant reduction of RYR2 at both mRNA and protein levels and marked intracellular calcium transient abnormalities, which were significantly reduced by allele-specific shRNA (PMID: 35439358). This variant has not been identified in the general population by the Genome Aggregation Database (gnomAD). The role of loss-of-function RYR2 truncation variants in cardiovascular disorders is not clearly understood. The available evidence is insufficient to determine the role of this variant in disease conclusively. Therefore, this variant is classified as a Variant of Uncertain Significance.

This study involves interpretation of variants in research participants for the purpose of population health screening. Participant phenotype was not available at the time of variant classification. Additional details can be found in publication PMID: 35346344, PMCID: PMC8962531

Literature cited by the submitters: PubMed 35439358 (cited by Labcorp Genetics (formerly Invitae), Labcorp and All of Us Research Program, National Institutes of Health); PubMed 37492947 (cited by Labcorp Genetics (formerly Invitae), Labcorp).